The following is an entry in ClinVar:

NM_000088.4(COL1A1):c.1404_1405delinsTT (p.Lys468_Arg469delinsAsnTer)

Gene: COL1A1 (collagen type I alpha 1 chain; minus strand). Cytogenetic location: 17q21.33.
Variant type: Indel.
Coding change: c.1404_1405delinsTT on transcript NM_000088.4 (MANE Select); coding-DNA positions 1404 to 1405, GC replaced by TT.
Protein change: p.Lys468_Arg469delinsAsnTer.
Molecular consequence: nonsense.
Genome position (GRCh38, 1-based): chr17:50,194,777-50,194,778, GC replaced by AA on the plus strand (GC replaced by TT on the coding strand, the reverse complement: COL1A1 is on the minus strand). VCF-style: chr17-50194777-GC-AA. GRCh37 (hg19) VCF-style: chr17-48272138-GC-AA.
Identifiers: ClinVar variation 3653891 (VCV003653891.2).
Genomic context (GRCh38, chr17:50,194,777, plus strand): 5'-TTACACGCTCGCCAGGGGGTCCGGGCAGGCCAGTGGGTCCGGGTTCACCTCGAGCTCCTC[GC>AA]TTTCCTTCCTCTCCAGCAGGGCCAGGGGGTCCTTGAACACCAACAGGGCCCTGGAGAGGG-3'

ClinVar aggregate classification (germline): Pathogenic (1 of 4 stars; one submission).

Conditions:
Osteogenesis imperfecta type I (OI1). Also called: Lobstein's Disease; Lobstein disease; Classic Non-deforming Osteogenesis Imperfecta with Blue Sclerae; OI, TYPE I; OSTEOGENESIS IMPERFECTA TARDA; OSTEOGENESIS IMPERFECTA WITH BLUE SCLERAE. Identifiers: Orphanet 216796, Orphanet 666, MedGen C0023931, MONDO:0008146, OMIM 166200. Disease mechanism: loss of function.

Submission:

Labcorp Genetics (formerly Invitae), Labcorp
Classification: Pathogenic for Osteogenesis imperfecta type I. Last evaluated: 2024-05-19. Review status: criteria provided, single submitter. Criteria: Invitae Variant Classification Sherloc (09022015). Collection method: clinical testing. Allele origin: germline.
Comment: This sequence change creates a premature translational stop signal (p.Lys468_Arg469delinsAsn*) in the COL1A1 gene. It is expected to result in an absent or disrupted protein product. Loss-of-function variants in COL1A1 are known to be pathogenic (PMID: 7942841, 9295084, 9443882). Information on the frequency of this variant in the gnomAD database is not available, as this variant may be reported differently in the database. This variant has not been reported in the literature in individuals affected with COL1A1-related conditions. For these reasons, this variant has been classified as Pathogenic.

Literature cited by the submitters: PubMed 7942841; PubMed 9295084; PubMed 9443882.